The following is an entry in ClinVar:

NM_003482.4(KMT2D):c.11817_11837dup (p.Gln3946_Gln3947insLeuGlnGlnGlnGlnGlnGln)

Gene: KMT2D (lysine methyltransferase 2D; minus strand). Cytogenetic location: 12q13.12.
Variant type: Duplication.
Coding change: c.11817_11837dup on transcript NM_003482.4 (MANE Select); coding-DNA positions 11817 to 11837, 21 bases duplicated (GCTTCAACAACAGCAGCAGCA).
Protein change: p.Gln3946_Gln3947insLeuGlnGlnGlnGlnGlnGln.
Molecular consequence: inframe insertion.
Genome position (GRCh38, 1-based): chr12:49,032,868-49,032,888, TGCTGCTGCTGTTGTTGAAGC duplicated on the plus strand (GCTTCAACAACAGCAGCAGCA on the coding strand, the reverse complement: KMT2D is on the minus strand); duplicating any 21 consecutive bases within chr12:49,032,868-49,032,902 gives the same sequence; the c. name uses the placement nearest the transcript's 3' end. VCF-style (leftmost placement, unchanged base first): chr12-49032867-T-TTGCTGCTGCTGTTGTTGAAGC. GRCh37 (hg19) VCF-style: chr12-49426650-T-TTGCTGCTGCTGTTGTTGAAGC.
Identifiers: ClinVar variation 2139915 (VCV002139915.5), dbSNP rs1419866032, ClinGen allele CA2580085617.
Genomic context (GRCh38, chr12:49,032,867, plus strand): 5'-AAACTGCTGCTGTTGTTGTTGCTGTTGCTGTTGTAGCTGCTGTTGCTGCTGTTGAAGCTG[T>TTGCTGCTGCTGTTGTTGAAGC]TGCTGCTGCTGTTGTTGAAGCTGCTGCTGCTGTTGCTGCTGTTGAAGCTGTTGCTGCTGA-3'

ClinVar aggregate classification (germline): Uncertain significance. Review status: criteria provided, multiple submitters, no conflicts (2 of 4 stars). 2 submissions from 2 submitters: Uncertain significance (2). Last evaluated 2025-12-01.

Conditions:
Choanal atresia-athelia-hypothyroidism-delayed puberty-short stature syndrome (BCAHH). Also called: BRANCHIAL ARCH ABNORMALITIES, CHOANAL ATRESIA, ATHELIA, HEARING LOSS, AND HYPOTHYROIDISM SYNDROME. Identifiers: Orphanet 589856, MedGen C5680310, MONDO:0035651, OMIM 620186.
Kabuki syndrome 1 (KABUK1). Also called: KMT2D-Related Kabuki Syndrome. Identifiers: Orphanet 2322, MedGen CN030661, MONDO:0007843, OMIM 147920.
Kabuki syndrome. Also called: NIIKAWA-KUROKI SYNDROME; Kabuki make-up syndrome. Identifiers: Orphanet 2322, MedGen C0796004, MONDO:0016512.

Submissions (2):

Labcorp Genetics (formerly Invitae), Labcorp
Classification: Uncertain significance for Kabuki syndrome. Last evaluated: 2025-12-01. Review status: criteria provided, single submitter. Criteria: Invitae Variant Classification Sherloc (09022015). Collection method: clinical testing. Allele origin: germline.
Comment: This variant, c.11817_11837dup, results in the insertion of 7 amino acid(s) of the KMT2D protein (p.Leu3940_Gln3946dup), but otherwise preserves the integrity of the reading frame. This variant is not present in population databases (gnomAD no frequency). This variant has not been reported in the literature in individuals affected with KMT2D-related conditions. ClinVar contains an entry for this variant (Variation ID: 2139915). In summary, the available evidence is currently insufficient to determine the role of this variant in disease. Therefore, it has been classified as a Variant of Uncertain Significance.

Fulgent Genetics
Classification: Uncertain significance for Kabuki syndrome 1; Choanal atresia-athelia-hypothyroidism-delayed puberty-short stature syndrome. Last evaluated: 2024-04-03. Review status: criteria provided, single submitter. Criteria: ACMG Guidelines, 2015. Collection method: clinical testing. Allele origin: germline.